The following is an entry in ClinVar:

NM_000540.3(RYR1):c.7756G>T (p.Val2586Leu)

Gene: RYR1 (ryanodine receptor 1; plus strand). Cytogenetic location: 19q13.2.
Variant type: single nucleotide variant.
Coding change: c.7756G>T on transcript NM_000540.3 (MANE Select); coding-DNA position 7756, G replaced by T.
Protein change: p.Val2586Leu; replaces valine 2586 with leucine.
Molecular consequence: missense variant.
Genome position (GRCh38, 1-based): chr19:38,502,648, G>T. VCF-style: chr19-38502648-G-T. GRCh37 (hg19) VCF-style: chr19-38993288-G-T.
Other names: c.7756G>T, p.Val2586Leu (NM_001042723.2); short protein forms V2586L.
Identifiers: ClinVar variation 4757323 (VCV004757323.1).

ClinVar aggregate classification (germline): Uncertain significance (1 of 4 stars; one submission).

Conditions:
Malignant hyperthermia, susceptibility to, 1 (MHS1). Also called: RYR1-Related Malignant Hyperthermia Susceptibility; Malignant hyperthermia suceptibility 1; Anesthesia related hyperthermia; Malignant hyperpyrexia; Fulminating hyperpyrexia; Pharmacogenic myopathy. Identifiers: Orphanet 423, MedGen C2930980, MONDO:0007783, OMIM 145600.

Submission:

Color Diagnostics, LLC DBA Color Health
Classification: Uncertain significance for Malignant hyperthermia, susceptibility to, 1. Last evaluated: 2025-06-23. Review status: criteria provided, single submitter. Criteria: ACMG Guidelines, 2015. Collection method: clinical testing. Allele origin: germline.
Comment: This missense variant replaces valine with leucine at codon 2586 of the RYR1 protein. Computational prediction is inconclusive regarding the impact of this variant on protein structure and function. To our knowledge, functional studies have not been reported for this variant. This variant has not been reported in individuals affected with RYR1-related disorders in the literature. This variant has not been identified in the general population by the Genome Aggregation Database (gnomAD). The available evidence is insufficient to determine the role of this variant in disease conclusively. Therefore, this variant is classified as a Variant of Uncertain Significance.